The following is an entry in ClinVar:

ClinVar aggregate classification (germline): Likely benign. Review status: criteria provided, single submitter (1 of 4 stars). 2 submissions from 2 submitters: Likely benign (1). 1 of the submissions does not count toward it. Last evaluated 2025-01-11.

Conditions:
DTNBP1-related disorder. Also called: DTNBP1-related condition.

Allele frequency attached by ClinVar (database versions not stated): ESP Exome Variant Server 0.00008; 1000 Genomes Project 30x 0.00016; 1000 Genomes Project 0.00020.
gnomAD v4.1: 67 of 1,612,288 alleles (0.0042%); highest among the groups gnomAD compares: East Asian, 0.02%; no homozygotes.

Submissions (2):

Labcorp Genetics (formerly Invitae), Labcorp
Classification: Likely benign. Last evaluated: 2025-01-11. Review status: criteria provided, single submitter. Criteria: Invitae Variant Classification Sherloc (09022015). Collection method: clinical testing. Allele origin: germline.

PreventionGenetics, part of Exact Sciences
Classification: Likely benign for DTNBP1-related condition. Last evaluated: 2024-09-23. Review status: no assertion criteria provided. Collection method: clinical testing. Allele origin: germline. Not counted in ClinVar's aggregate classification.
Comment: This variant is classified as likely benign based on ACMG/AMP sequence variant interpretation guidelines (Richards et al. 2015 PMID: 25741868, with internal and published modifications).

NM_032122.5(DTNBP1):c.668-4G>A

Gene: DTNBP1 (dystrobrevin binding protein 1; minus strand). Cytogenetic location: 6p22.3.
Variant type: single nucleotide variant.
Coding change: c.668-4G>A on transcript NM_032122.5 (MANE Select); 4 bases into the intron before coding-DNA position 668, G replaced by A.
Molecular consequence: intron variant.
Genome position (GRCh38, 1-based): chr6:15,524,673, C>T on the plus strand (G>A on the coding strand, the complement: DTNBP1 is on the minus strand). VCF-style: chr6-15524673-C-T. GRCh37 (hg19) VCF-style: chr6-15524904-C-T.
Other names: c.668-4G>A (NM_032122.4, NM_183040.2); c.563-4G>A (NM_001271669.2); c.617-4G>A (NM_001271668.2); c.425-4G>A (NM_001271667.2).
Identifiers: ClinVar variation 1909531 (VCV001909531.6), dbSNP rs369322723, ClinGen allele CA3643916.